The following is an entry in ClinVar:

NM_001144967.3(NEDD4L):c.2426A>G (p.Asp809Gly)

Gene: NEDD4L (NEDD4 like E3 ubiquitin protein ligase; plus strand). Cytogenetic location: 18q21.31.
Variant type: single nucleotide variant.
Coding change: c.2426A>G on transcript NM_001144967.3 (MANE Select); coding-DNA position 2426, A replaced by G.
Protein change: p.Asp809Gly; replaces aspartic acid 809 with glycine.
Molecular consequence: missense variant.
Genome position (GRCh38, 1-based): chr18:58,383,319, A>G. VCF-style: chr18-58383319-A-G. GRCh37 (hg19) VCF-style: chr18-56050551-A-G.
Other names: c.2063A>G, p.Asp688Gly (NM_001144964.1, NM_001144965.2, NM_001144966.3); c.2402A>G, p.Asp801Gly (NM_001144968.2); c.2342A>G, p.Asp781Gly (NM_001144969.2); c.2003A>G, p.Asp668Gly (NM_001144970.3, NM_001144971.2); c.2234A>G, p.Asp745Gly (NM_001243960.2); c.3263A>G, p.Asp1088Gly (NM_001437337.1); c.2366A>G, p.Asp789Gly (NM_015277.6); short protein forms D1088G, D668G, D688G, D745G, D781G, D789G, D801G, D809G.
Identifiers: ClinVar variation 5016861 (VCV005016861.1).
Genomic context (GRCh38, chr18:58,383,319, plus strand): 5'-ATTTGAAGCCCAATGGGTCAGAAATAATGGTCACAAATGAAAACAAAAGGGAATATATCG[A>G]GTATGTATACACATATTTACTGCCTTTTCTTTGAATAATTGAAATGCATGTTTGGTCACT-3'
Protein context (NP_001138439.1, residues 799-819): VTNENKREYI[Asp809Gly]LVIQWRFVNR

ClinVar aggregate classification (germline): Uncertain significance (1 of 4 stars; one submission).

Submission:

GeneDx
Classification: Uncertain significance. Last evaluated: 2025-03-04. Review status: criteria provided, single submitter. Criteria: GeneDx Variant Classification Process June 2021. Collection method: clinical testing. Allele origin: germline.
Comment: Not observed at significant frequency in large population cohorts (gnomAD); In silico analysis indicates that this missense variant does not alter protein structure/function; Has not been previously published as pathogenic or benign to our knowledge